The following is an entry in ClinVar:

ClinVar aggregate classification (germline): Uncertain significance (1 of 4 stars; one submission).

Conditions:
Hereditary hemorrhagic telangiectasia (HHT). Also called: ORW DISEASE; Osler Weber Rendu syndrome; OSLER-RENDU-WEBER DISEASE; Osler hemorrhagic telangiectasia syndrome. Identifiers: Orphanet 774, MedGen C0039445, MONDO:0019180. Disease mechanism: loss of function.

Submission:

Labcorp Genetics (formerly Invitae), Labcorp
Classification: Uncertain significance for Hereditary hemorrhagic telangiectasia. Last evaluated: 2025-01-15. Review status: criteria provided, single submitter. Criteria: Invitae Variant Classification Sherloc (09022015). Collection method: clinical testing. Allele origin: germline.
Comment: This sequence change replaces alanine, which is neutral and non-polar, with glycine, which is neutral and non-polar, at codon 57 of the ENG protein (p.Ala57Gly). This variant is not present in population databases (gnomAD no frequency). This variant has not been reported in the literature in individuals affected with ENG-related conditions. ClinVar contains an entry for this variant (Variation ID: 2744881). Invitae Evidence Modeling of protein sequence and biophysical properties (such as structural, functional, and spatial information, amino acid conservation, physicochemical variation, residue mobility, and thermodynamic stability) indicates that this missense variant is not expected to disrupt ENG protein function with a negative predictive value of 95%. In summary, the available evidence is currently insufficient to determine the role of this variant in disease. Therefore, it has been classified as a Variant of Uncertain Significance.

NM_001114753.3(ENG):c.170C>G (p.Ala57Gly)

Gene: ENG (endoglin; minus strand). Cytogenetic location: 9q34.11.
Variant type: single nucleotide variant.
Coding change: c.170C>G on transcript NM_001114753.3 (MANE Select); coding-DNA position 170, C replaced by G.
Protein change: p.Ala57Gly; replaces alanine 57 with glycine.
Molecular consequence: missense variant. On other transcripts: 5 prime UTR variant (1).
Genome position (GRCh38, 1-based): chr9:127,843,143, G>C on the plus strand (C>G on the coding strand, the complement: ENG is on the minus strand). VCF-style: chr9-127843143-G-C. GRCh37 (hg19) VCF-style: chr9-130605422-G-C.
Other names: c.170C>G, p.Ala57Gly (NM_000118.4, NM_001406715.1); c.-377C>G (NM_001278138.2); short protein forms A57G.
Identifiers: ClinVar variation 2744881 (VCV002744881.3), dbSNP rs751204796, ClinGen allele CA374989000.